The following is an entry in ClinVar:

NM_016203.4(PRKAG2):c.706G>C (p.Gly236Arg)

Genes: PRKAG2 (protein kinase AMP-activated non-catalytic subunit gamma 2; minus strand), LOC129999660 (ATAC-STARR-seq lymphoblastoid silent region 18823; plus strand). Cytogenetic location: 7q36.1.
Variant type: single nucleotide variant.
Coding change: c.706G>C on transcript NM_016203.4 (MANE Select); coding-DNA position 706, G replaced by C.
Protein change: p.Gly236Arg; replaces glycine 236 with arginine.
Molecular consequence: missense variant. On other transcripts: 5 prime UTR variant (2).
Genome position (GRCh38, 1-based): chr7:151,632,117, C>G on the plus strand (G>C on the coding strand, the complement: PRKAG2 is on the minus strand). VCF-style: chr7-151632117-C-G. GRCh37 (hg19) VCF-style: chr7-151329203-C-G.
Other names: p.Gly236Arg; c.574G>C, p.Gly192Arg (NM_001040633.2); c.334G>C, p.Gly112Arg (NM_001304527.2, NM_001363698.2); c.-18G>C (NM_001304531.2, NM_024429.2); short protein forms G112R, G192R, G236R.
Identifiers: ClinVar variation 919637 (VCV000919637.7), dbSNP rs1183522324, ClinGen allele CA370071328.

ClinVar aggregate classification (germline): Uncertain significance. Review status: criteria provided, multiple submitters, no conflicts (2 of 4 stars). 3 submissions from 3 submitters: Uncertain significance (3). Last evaluated 2024-01-16.

Conditions:
Cardiomyopathy (CMYO). Also called: Cardiomyopathies. Identifiers: Orphanet 167848, MedGen C0878544, MONDO:0004994, HP:0001638. Inheritance: Various modes of inheritance.
Lethal congenital glycogen storage disease of heart. Also called: GLYCOGEN STORAGE DISEASE OF HEART; PHOSPHORYLASE KINASE DEFICIENCY OF HEART. Identifiers: Orphanet 439854, MedGen C1849813, MONDO:0009867, OMIM 261740.

gnomAD v4.1: 6 of 1,410,154 alleles (0.00043%); highest among the groups gnomAD compares: Middle Eastern, 0.041%; no homozygotes.

Submissions (3):

Labcorp Genetics (formerly Invitae), Labcorp
Classification: Uncertain significance for Lethal congenital glycogen storage disease of heart. Last evaluated: 2024-01-16. Review status: criteria provided, single submitter. Criteria: Invitae Variant Classification Sherloc (09022015). Collection method: clinical testing. Allele origin: germline.
Comment: This sequence change replaces glycine, which is neutral and non-polar, with arginine, which is basic and polar, at codon 236 of the PRKAG2 protein (p.Gly236Arg). This variant is not present in population databases (gnomAD no frequency). This variant has not been reported in the literature in individuals affected with PRKAG2-related conditions. ClinVar contains an entry for this variant (Variation ID: 919637). Advanced modeling of protein sequence and biophysical properties (such as structural, functional, and spatial information, amino acid conservation, physicochemical variation, residue mobility, and thermodynamic stability) has been performed at Invitae for this missense variant, however the output from this modeling did not meet the statistical confidence thresholds required to predict the impact of this variant on PRKAG2 protein function. In summary, the available evidence is currently insufficient to determine the role of this variant in disease. Therefore, it has been classified as a Variant of Uncertain Significance.

Color Diagnostics, LLC DBA Color Health
Classification: Uncertain significance for Cardiomyopathy. Last evaluated: 2023-12-04. Review status: criteria provided, single submitter. Criteria: ACMG Guidelines, 2015. Collection method: clinical testing. Allele origin: germline.
Comment: This missense variant replaces glycine with arginine at codon 236 of the PRKAG2 protein. Computational prediction suggests that this variant may not impact protein structure and function (internally defined REVEL score threshold <= 0.5, PMID: 27666373). To our knowledge, functional studies have not been reported for this variant. This variant has not been reported in individuals affected with PRKAG2-related disorders in the literature. This variant has not been identified in the general population by the Genome Aggregation Database (gnomAD). The available evidence is insufficient to determine the role of this variant in disease conclusively. Therefore, this variant is classified as a Variant of Uncertain Significance.

Mayo Clinic Laboratories, Mayo Clinic
Classification: Uncertain significance. Last evaluated: 2023-05-17. Review status: criteria provided, single submitter. Criteria: ACMG Guidelines, 2015. Collection method: clinical testing. Allele origin: germline. Observed: 1 variant allele.
Comment: PM2_moderate